The following is an entry in ClinVar:

ClinVar aggregate classification (germline): Conflicting classifications of pathogenicity. Review status: criteria provided, conflicting classifications (1 of 4 stars). 5 submissions from 5 submitters: Uncertain significance (4); Likely benign (1). Last evaluated 2026-03-25.

Conditions:
Colorectal cancer. Also called: Malignant Colorectal Neoplasm; Colorectal cancer, somatic. Identifiers: MedGen C0346629, MONDO:0005575, OMIM 114500.
Oligodontia-cancer predisposition syndrome. Also called: TOOTH AGENESIS-COLORECTAL CANCER SYNDROME. Identifiers: Orphanet 300576, MedGen C1837750, MONDO:0012075, OMIM 608615. Disease mechanism: loss of function.
Hereditary cancer-predisposing syndrome. Also called: Tumor predisposition; Hereditary Cancer Syndrome; Hereditary neoplastic syndrome; Neoplastic Syndromes, Hereditary. Identifiers: Orphanet 140162, MedGen C0027672, MeSH D009386, MONDO:0015356.

Allele frequency attached by ClinVar (database versions not stated): TOPMed 0.00002.
gnomAD v4.1: 25 of 1,573,210 alleles (0.0016%); highest among the groups gnomAD compares: Non-Finnish European, 0.0022%; no homozygotes.

Submissions (5):

Ambry Genetics
Classification: Likely benign for Hereditary cancer-predisposing syndrome. Last evaluated: 2026-03-25. Review status: criteria provided, single submitter. Criteria: Ambry Variant Classification Scheme 2023. Collection method: clinical testing. Allele origin: germline.

Labcorp Genetics (formerly Invitae), Labcorp
Classification: Uncertain significance for Oligodontia-cancer predisposition syndrome. Last evaluated: 2025-12-15. Review status: criteria provided, single submitter. Criteria: Invitae Variant Classification Sherloc (09022015). Collection method: clinical testing. Allele origin: germline.
Comment: This sequence change replaces arginine, which is basic and polar, with glycine, which is neutral and non-polar, at codon 463 of the AXIN2 protein (p.Arg463Gly). This variant is not present in population databases (gnomAD no frequency). This variant has not been reported in the literature in individuals affected with AXIN2-related conditions. ClinVar contains an entry for this variant (Variation ID: 182003). Invitae Evidence Modeling of protein sequence and biophysical properties (such as structural, functional, and spatial information, amino acid conservation, physicochemical variation, residue mobility, and thermodynamic stability) indicates that this missense variant is not expected to disrupt AXIN2 protein function with a negative predictive value of 80%. In summary, the available evidence is currently insufficient to determine the role of this variant in disease. Therefore, it has been classified as a Variant of Uncertain Significance.

Baylor Genetics
Classification: Uncertain significance for Colorectal cancer. Last evaluated: 2024-03-26. Review status: criteria provided, single submitter. Criteria: ACMG Guidelines, 2015. Collection method: clinical testing. Allele origin: unknown.

GeneDx
Classification: Uncertain significance. Last evaluated: 2024-03-08. Review status: criteria provided, single submitter. Criteria: GeneDx Variant Classification Process June 2021. Collection method: clinical testing. Allele origin: germline. Affected: yes.
Comment: Not observed at significant frequency in large population cohorts (gnomAD); In silico analysis supports that this missense variant does not alter protein structure/function; Has not been previously published as pathogenic or benign to our knowledge; This variant is associated with the following publications: (PMID: 15735151)

Fulgent Genetics
Classification: Uncertain significance for Colorectal cancer; Oligodontia-cancer predisposition syndrome. Last evaluated: 2024-01-17. Review status: criteria provided, single submitter. Criteria: ACMG Guidelines, 2015. Collection method: clinical testing. Allele origin: germline.

NM_004655.4(AXIN2):c.1387C>G (p.Arg463Gly)

Gene: AXIN2 (axin 2; minus strand). Cytogenetic location: 17q24.1.
Variant type: single nucleotide variant.
Coding change: c.1387C>G on transcript NM_004655.4 (MANE Select); coding-DNA position 1387, C replaced by G.
Protein change: p.Arg463Gly; replaces arginine 463 with glycine.
Molecular consequence: missense variant.
Genome position (GRCh38, 1-based): chr17:65,537,649, G>C on the plus strand (C>G on the coding strand, the complement: AXIN2 is on the minus strand). VCF-style: chr17-65537649-G-C. GRCh37 (hg19) VCF-style: chr17-63533767-G-C.
Other names: p.R463G:CGC>GGC; c.1387C>G (LRG_296t1); c.1387C>G, p.Arg463Gly (NM_001363813.1); short protein forms R463G.
Identifiers: ClinVar variation 182003 (VCV000182003.21), dbSNP rs730881395, ClinGen allele CA298377.